The following is an entry in ClinVar:

ClinVar aggregate classification (germline): Benign. Review status: criteria provided, single submitter (1 of 4 stars). 2 submissions from 2 submitters: Benign (1). 1 of the submissions does not count toward it. Last evaluated 2026-01-24.

Conditions:
GAS8-related disorder. Also called: GAS8-related condition.
Primary ciliary dyskinesia 33. Also called: CILIARY DYSKINESIA, PRIMARY, 33, WITHOUT SITUS INVERSUS. Identifiers: Orphanet 244, MedGen C4225230, MONDO:0014750, OMIM 616726.

Allele frequency attached by ClinVar (database versions not stated): TOPMed 0.00010; gnomAD 0.00011 and 0.00043; gnomAD exomes 0.00049 and 0.00091; ExAC 0.00057; 1000 Genomes Project 30x 0.00141; 1000 Genomes Project 0.00180.
gnomAD v4.1: 1,346 of 1,614,136 alleles (0.083%); highest among the groups gnomAD compares: East Asian, 3%; 40 homozygotes.

Submissions (2):

Labcorp Genetics (formerly Invitae), Labcorp
Classification: Benign for Primary ciliary dyskinesia 33. Last evaluated: 2026-01-24. Review status: criteria provided, single submitter. Criteria: Invitae Variant Classification Sherloc (09022015). Collection method: clinical testing. Allele origin: germline.

PreventionGenetics, part of Exact Sciences
Classification: Likely benign for GAS8-related condition. Last evaluated: 2019-09-12. Review status: no assertion criteria provided. Collection method: clinical testing. Allele origin: germline. Not counted in ClinVar's aggregate classification.
Comment: This variant is classified as likely benign based on ACMG/AMP sequence variant interpretation guidelines (Richards et al. 2015 PMID: 25741868, with internal and published modifications).

NM_001481.3(DRC4):c.550+10C>T

Gene: DRC4 (dynein regulatory complex subunit 4; plus strand). Cytogenetic location: 16q24.3.
Variant type: single nucleotide variant.
Coding change: c.550+10C>T on transcript NM_001481.3 (MANE Select); 10 bases into the intron after coding-DNA position 550, C replaced by T.
Molecular consequence: intron variant.
Genome position (GRCh38, 1-based): chr16:90,035,697, C>T. VCF-style: chr16-90035697-C-T. GRCh37 (hg19) VCF-style: chr16-90102105-C-T.
Other names: c.475+10C>T (NM_001286209.2); c.301+10C>T (NM_001286205.2); c.-26-684C>T (NM_001286208.2).
Identifiers: ClinVar variation 475566 (VCV000475566.12), dbSNP rs77534905, ClinGen allele CA8257849.